The following continues an entry in ClinVar:

NM_000350.3(ABCA4):c.4139C>T (p.Pro1380Leu)

Gene: ABCA4. ClinVar aggregate classification (germline): Pathogenic. Pathogenic (1).

Literature cited by the submitters, continued: PubMed 25283059 (cited by Institute of Human Genetics, Univ. Regensburg, Univ. Regensburg and Illumina Laboratory Services, Illumina); PubMed 27030965 (cited by Institute of Human Genetics, Univ. Regensburg, Univ. Regensburg); PubMed 28341476 (cited by Institute of Human Genetics, Univ. Regensburg, Univ. Regensburg); PubMed 30204727 (cited by Institute of Human Genetics, Univ. Regensburg, Univ. Regensburg); PubMed 28947085 (cited by Institute of Human Genetics, Univ. Regensburg, Univ. Regensburg and Victorian Clinical Genetics Services, Murdoch Childrens Research Institute); PubMed 31589614 (cited by Institute of Human Genetics, Univ. Regensburg, Univ. Regensburg); PubMed 29925512 (cited by Institute of Human Genetics, Univ. Regensburg, Univ. Regensburg); PubMed 31573552 (cited by Institute of Human Genetics, Univ. Regensburg, Univ. Regensburg); PubMed 32619608 (cited by Institute of Human Genetics, Univ. Regensburg, Univ. Regensburg); PubMed 32467599 (cited by Institute of Human Genetics, Univ. Regensburg, Univ. Regensburg); PubMed 31964843 (cited by Institute of Human Genetics, Univ. Regensburg, Univ. Regensburg); PubMed 31429209 (cited by Institute of Human Genetics, Univ. Regensburg, Univ. Regensburg); PubMed 32307445 (cited by Institute of Human Genetics, Univ. Regensburg, Univ. Regensburg); PubMed 31456290 (cited by Institute of Human Genetics, Univ. Regensburg, Univ. Regensburg); PubMed 32581362 (cited by Institute of Human Genetics, Univ. Regensburg, Univ. Regensburg); PubMed 32531858 (cited by Institute of Human Genetics, Univ. Regensburg, Univ. Regensburg); PubMed 32037395 (cited by Institute of Human Genetics, Univ. Regensburg, Univ. Regensburg); PubMed 33706644 (cited by Institute of Human Genetics, Univ. Regensburg, Univ. Regensburg); PubMed 34315337 (cited by Institute of Human Genetics, Univ. Regensburg, Univ. Regensburg); PubMed 33369172 (cited by Institute of Human Genetics, Univ. Regensburg, Univ. Regensburg); PubMed 34426522 (cited by Institute of Human Genetics, Univ. Regensburg, Univ. Regensburg); PubMed 35119454 (cited by Institute of Human Genetics, Univ. Regensburg, Univ. Regensburg); PubMed 35260635 (cited by Institute of Human Genetics, Univ. Regensburg, Univ. Regensburg); PubMed 36460718 (cited by Institute of Human Genetics, Univ. Regensburg, Univ. Regensburg); PubMed 35076026 (cited by Institute of Human Genetics, Univ. Regensburg, Univ. Regensburg); PubMed 35456422 (cited by Institute of Human Genetics, Univ. Regensburg, Univ. Regensburg); PubMed 36672815 (cited by Institute of Human Genetics, Univ. Regensburg, Univ. Regensburg); PubMed 36819107 (cited by Institute of Human Genetics, Univ. Regensburg, Univ. Regensburg); PubMed 11726554 (cited by Victorian Clinical Genetics Services, Murdoch Childrens Research Institute and Illumina Laboratory Services, Illumina); PubMed 11527935 (cited by Illumina Laboratory Services, Illumina); PubMed 16682602 (cited by Illumina Laboratory Services, Illumina and OMIM); PubMed 23419329 (cited by Illumina Laboratory Services, Illumina); PubMed 30718709 (cited by Department of Clinical Genetics, Copenhagen University Hospital, Rigshospitalet); PubMed 28041643 (cited by NIHR Bioresource Rare Diseases, University of Cambridge); PubMed 35413457 (cited by Ophthalmo-Genetics Lab, Instituto de Oftalmologia Conde de Valenciana).